The following is an entry in ClinVar:

NM_000342.4(SLC4A1):c.609+1G>A

Gene: SLC4A1 (solute carrier family 4 member 1 (Diego blood group); minus strand). Cytogenetic location: 17q21.31.
Variant type: single nucleotide variant.
Coding change: c.609+1G>A on transcript NM_000342.4 (MANE Select); the canonical splice donor site of the intron after coding-DNA position 609, G replaced by A.
Molecular consequence: splice donor variant.
Genome position (GRCh38, 1-based): chr17:44,259,808, C>T on the plus strand (G>A on the coding strand, the complement: SLC4A1 is on the minus strand). VCF-style: chr17-44259808-C-T. GRCh37 (hg19) VCF-style: chr17-42337176-C-T.
Other names: p.?; c.609+1G>A (NM_000342.3).
Identifiers: ClinVar variation 994294 (VCV000994294.17), dbSNP rs1362663440, ClinGen allele CA399793154.

ClinVar aggregate classification (germline): Conflicting classifications of pathogenicity. Review status: criteria provided, conflicting classifications (1 of 4 stars). 6 submissions from 6 submitters: Pathogenic (1); Likely pathogenic (4); Uncertain significance (1). Last evaluated 2026-04-13.

Conditions:
Hereditary spherocytosis type 4. Also called: SLC4A1-Related Spherocytosis. Identifiers: Orphanet 822, MedGen C2675212, MONDO:0012981, OMIM 612653.
SLC4A1-related disorder. Also called: SLC4A1-related condition; SLC4A1-related disorders.

Allele frequency attached by ClinVar (database versions not stated): gnomAD exomes below 0.00001.
gnomAD v4.1: 4 of 1,614,012 alleles (0.00025%); highest among the groups gnomAD compares: Non-Finnish European, 0.00025%; no homozygotes.

Submissions (6):

PreventionGenetics, part of Exact Sciences
Classification: Likely pathogenic for SLC4A1-related condition. Last evaluated: 2026-04-13. Review status: criteria provided, single submitter. Criteria: ACMG Guidelines, 2015. Collection method: clinical testing. Allele origin: germline.
Comment: The SLC4A1 c.609+1G>A variant is predicted to disrupt the GT donor site and interfere with normal splicing. To our knowledge, this variant has not been reported in the literature. This variant is reported in 0.00088% of alleles in individuals of European (Non-Finnish) descent in gnomAD. Variants that disrupt the consensus splice donor site in SLC4A1 are expected to be pathogenic. This variant is interpreted as likely pathogenic.

Labcorp Genetics (formerly Invitae), Labcorp
Classification: Likely pathogenic. Last evaluated: 2025-09-21. Review status: criteria provided, single submitter. Criteria: Invitae Variant Classification Sherloc (09022015). Collection method: clinical testing. Allele origin: germline.
Comment: This sequence change affects a donor splice site in intron 7 of the SLC4A1 gene. It is expected to disrupt RNA splicing. Variants that disrupt the donor or acceptor splice site typically lead to a loss of protein function (PMID: 16199547), and loss-of-function variants in SLC4A1 are known to be pathogenic (PMID: 8943874, 10926824, 23255290). This variant is present in population databases (no rsID available, gnomAD 0.0009%). This variant has not been reported in the literature in individuals affected with SLC4A1-related conditions. ClinVar contains an entry for this variant (Variation ID: 994294). Algorithms developed to predict the effect of sequence changes on RNA splicing suggest that this variant may disrupt the consensus splice site. In summary, the currently available evidence indicates that the variant is pathogenic, but additional data are needed to prove that conclusively. Therefore, this variant has been classified as Likely Pathogenic.

Mayo Clinic Laboratories, Mayo Clinic
Classification: Likely pathogenic. Last evaluated: 2025-08-26. Review status: criteria provided, single submitter. Criteria: ACMG Guidelines, 2015. Collection method: clinical testing. Allele origin: germline. Observed: 1 variant allele.
Comment: PM2_supporting, PVS1

Revvity Omics, Revvity
Classification: Likely pathogenic. Last evaluated: 2024-09-02. Review status: criteria provided, single submitter. Criteria: ACMG Guidelines, 2015. Collection method: clinical testing. Allele origin: germline.

ARUP Laboratories, Molecular Genetics and Genomics, ARUP Laboratories
Classification: Pathogenic. Last evaluated: 2024-01-11. Review status: criteria provided, single submitter. Criteria: ARUP Molecular Germline Variant Investigation Process 2024. Collection method: clinical testing. Allele origin: germline.
Comment: The SLC4A1 c.609+1G>A variant (rs1362663440), to our knowledge, is not reported in the medical literature but is reported in ClinVar (Variation ID: 994294). This variant is only observed on one allele in the Genome Aggregation Database, indicating it is not a common polymorphism. This variant disrupts the canonical splice donor site of intron 7, which is likely to negatively impact gene function. Based on available information, this variant is considered to be pathogenic.

Victorian Clinical Genetics Services, Murdoch Childrens Research Institute
Classification: Uncertain significance for Hereditary spherocytosis type 4. Last evaluated: 2022-02-02. Review status: criteria provided, single submitter. Criteria: ACMG Guidelines, 2015. Collection method: clinical testing. Allele origin: germline. Inheritance: Autosomal dominant inheritance. Affected: yes.
Comment: Based on the classification scheme VCGS_Germline_v1.3.4, this variant is classified as VUS-3A. Following criteria are met: 0103 - Dominant negative and loss of function are known mechanisms of disease in this gene and are associated with autosomal recessive distal renal tubular acidosis 4 with haemolytic anemia (MIM#611590) and autosomal dominant cryohydrocytosis (MIM#185020), distal renal tubular acidosis (MIM#1179800), ovalocytosis, SA type (MIM#166900) and hereditary spherocytosis (MIM#61265) (PMID: 27058983). (I) 0108 - This gene is associated with both recessive and dominant disease. Variants in this gene predominantly leads to autosomal dominant conditions, with biallelic variants resulting in the more severe distal renal tubular acidosis 4 with hemolytic anemia (MIM#611590) phenotype. There is currently no phenotypic correlation in terms of variant types or location (PMID: 27058983). (I) 0211 - Canonical splice site variant without proven consequence on splicing (no functional evidence available). (SP) 0251 - This variant is heterozygous. (I) 0304 - Variant is present in gnomAD <0.01 for a condition (v2: 1 heterozygote, 0 homozygotes). (SP) 0505 - Abnormal splicing is predicted by in silico tools however, the affected nucleotide is lowly conserved. (I) 0705 - No comparable splice site variants have previous evidence for pathogenicity. (I) 0803 - This variant has limited previous evidence of pathogenicity in an unrelated individual. It has been classified as pathogenic by a diagnostic laboratory in ClinVar. (SP) 0905 - No published segregation evidence has been identified for this variant. (I) 1007 - No published functional evidence has been identified for this variant. (I) 1208 - Inheritance information for this variant is not currently available in this individual. (I) Legend: (SP) - Supporting pathogenic, (I) - Information, (SB) - Supporting benign

Literature cited by the submitters: PubMed 16199547 (cited by Labcorp Genetics (formerly Invitae), Labcorp); PubMed 8943874 (cited by Labcorp Genetics (formerly Invitae), Labcorp); PubMed 10926824 (cited by Labcorp Genetics (formerly Invitae), Labcorp); PubMed 23255290 (cited by Labcorp Genetics (formerly Invitae), Labcorp); PubMed 27058983 (cited by Victorian Clinical Genetics Services, Murdoch Childrens Research Institute).